The following is an entry in ClinVar:

ClinVar aggregate classification (germline): Uncertain significance (1 of 4 stars; one submission).

Submission:

Illumina Laboratory Services, Illumina
Classification: Uncertain significance. Last evaluated: 2021-11-01. Review status: criteria provided, single submitter. Criteria: ICSL CNVClassificationCriteria Aug2020. Collection method: clinical testing. Allele origin: unknown.
Comment: This CNV is a 66 kb duplication of 11q14.1 on chromosome 11, (seq[GRCh37]dup(11)(q14.1); chr11:g.78165386_78231070dup). The CNV constitutes an intragenic gain that duplicates exons 7 through 11 of the NARS2 gene, with one breakpoint located in intron 6 and another in intron 11. Patients with similar gains in this region have not been reported in the literature. This CNV has not been reported in controls including in the Genome Aggregation Database. Based on the limited evidence, this CNV is classified as a variant of uncertain significance.

GRCh37/hg19 11q14.1(chr11:78165386-78231070)x3

Gene: NARS2 (asparaginyl-tRNA synthetase 2, mitochondrial; minus strand). Cytogenetic location: 11q14.1.
Variant type: copy number gain.
Change: copy number 3 (three copies instead of two) of chr11:78,165,386-78,231,070 (65.7 kb, GRCh37 coordinates, 1-based), cytogenetic band 11q14.1.
Identifiers: ClinVar variation 1328109 (VCV001328109.4).